The following is an entry in ClinVar:

ClinVar aggregate classification (germline): Pathogenic (1 of 4 stars; one submission).

Conditions:
Ataxia-telangiectasia syndrome (AT). Also called: Ataxia-telangiectasia; AT, COMPLEMENTATION GROUP C; ATAXIA-TELANGIECTASIA, FRESNO VARIANT; Ataxia-telangiectasia, complementation group D; Ataxia-telangiectasia, complementation group E; LOUIS-BAR SYNDROME. Identifiers: Orphanet 100, MedGen C0004135, MONDO:0008840, OMIM 208900.

Submission:

Labcorp Genetics (formerly Invitae), Labcorp
Classification: Pathogenic for Ataxia-telangiectasia syndrome. Last evaluated: 2022-08-26. Review status: criteria provided, single submitter. Criteria: Invitae Variant Classification Sherloc (09022015). Collection method: clinical testing. Allele origin: germline.
Comment: This sequence change creates a premature translational stop signal (p.Glu166Argfs*19) in the ATM gene. It is expected to result in an absent or disrupted protein product. Loss-of-function variants in ATM are known to be pathogenic (PMID: 23807571, 25614872). For these reasons, this variant has been classified as Pathogenic. This variant has not been reported in the literature in individuals affected with ATM-related conditions. This variant is not present in population databases (gnomAD no frequency).

Literature cited by the submitters: PubMed 23807571; PubMed 25614872.

NM_000051.4(ATM):c.495dup (p.Glu166fs)

Gene: ATM (ATM serine/threonine kinase; plus strand). Cytogenetic location: 11q22.3.
Variant type: Duplication.
Coding change: c.495dup on transcript NM_000051.4 (MANE Select); coding-DNA position 495, one base duplicated (A; older notation c.495dupA).
Protein change: p.Glu166fs; shifts the reading frame from glutamic acid 166.
Molecular consequence: frameshift variant.
Genome position (GRCh38, 1-based): chr11:108,235,833, A duplicated. VCF-style (leftmost placement, unchanged base first): chr11-108235832-T-TA. GRCh37 (hg19) VCF-style: chr11-108106559-T-TA.
Other names: c.495dup, p.Glu166fs (NM_001351834.2); short protein forms E166fs.
Identifiers: ClinVar variation 2026305 (VCV002026305.4), dbSNP rs2497022996, ClinGen allele CA1139771143.